The following is an entry in ClinVar:

ClinVar aggregate classification (germline): Pathogenic (1 of 4 stars; one submission).

Submission:

Labcorp Genetics (formerly Invitae), Labcorp
Classification: Pathogenic. Last evaluated: 2022-05-12. Review status: criteria provided, single submitter. Criteria: Invitae Variant Classification Sherloc (09022015). Collection method: clinical testing. Allele origin: germline.
Comment: For these reasons, this variant has been classified as Pathogenic. ClinVar contains an entry for this variant (Variation ID: 937084). This variant has not been reported in the literature in individuals affected with POLE-related conditions. This variant is not present in population databases (gnomAD no frequency). This sequence change creates a premature translational stop signal (p.Leu1986Phefs*72) in the POLE gene. It is expected to result in an absent or disrupted protein product. Loss-of-function variants in POLE are known to be pathogenic (PMID: 23230001, 25948378, 30503519).

Literature cited by the submitters: PubMed 23230001; PubMed 25948378; PubMed 30503519.

NM_006231.4(POLE):c.5958_5959del (p.Leu1986fs)

Gene: POLE (DNA polymerase epsilon, catalytic subunit; minus strand). Cytogenetic location: 12q24.33.
Variant type: Deletion.
Coding change: c.5958_5959del on transcript NM_006231.4 (MANE Select); coding-DNA positions 5958 to 5959, 2 bases deleted (GC; older notation c.5958_5959delGC).
Protein change: p.Leu1986fs; shifts the reading frame from leucine 1986.
Molecular consequence: frameshift variant.
Genome position (GRCh38, 1-based): chr12:132,634,231-132,634,232, GC deleted on the plus strand (GC on the coding strand, the reverse complement: POLE is on the minus strand). VCF-style (leftmost placement, unchanged base first): chr12-132634230-GGC-G. GRCh37 (hg19) VCF-style: chr12-133210816-GGC-G.
Other names: short protein forms L1986fs.
Identifiers: ClinVar variation 937084 (VCV000937084.9), dbSNP rs2041989919, ClinGen allele CA1139662974.
Genomic context (GRCh38, chr12:132,634,230, plus strand): 5'-TGGGCTCTGGGCTTACCTGAAACAATCATGAGGAAGTAGTTCTGGCAGGAGGCTGCCTGT[GGC>G]AAAAACTGCAAAATGTTCCAGTTGTTTTCCAGTAAATCCTCCACGTTGGATTCCTCCGCC-3'